The following is an entry in ClinVar:

ClinVar aggregate classification (germline): Uncertain significance (1 of 4 stars; one submission).

Conditions:
Immunodeficiency 28 (IMD28). Also called: IFNGR2 DEFICIENCY. Identifiers: Orphanet 319547, Orphanet 319574, MedGen C4013947, MONDO:0013953, OMIM 614889.

Submission:

Labcorp Genetics (formerly Invitae), Labcorp
Classification: Uncertain significance for Immunodeficiency 28. Last evaluated: 2022-02-25. Review status: criteria provided, single submitter. Criteria: Invitae Variant Classification Sherloc (09022015). Collection method: clinical testing. Allele origin: germline.
Comment: In summary, the available evidence is currently insufficient to determine the role of this variant in disease. Therefore, it has been classified as a Variant of Uncertain Significance. This variant has not been reported in the literature in individuals affected with IFNGR2-related conditions. This variant is not present in population databases (gnomAD no frequency). This sequence change disrupts the translational stop signal of the IFNGR2 mRNA. It is expected to extend the length of the IFNGR2 protein by 6 additional amino acid residues.

NM_005534.4(IFNGR2):c.1013G>C (p.Ter338Ser)

Genes: IFNGR2 (interferon gamma receptor 2; plus strand), TMEM50B (transmembrane protein 50B; minus strand). Cytogenetic location: 21q22.11.
Variant type: single nucleotide variant.
Coding change: c.1013G>C on transcript NM_005534.4 (MANE Select); coding-DNA position 1013, G replaced by C.
Protein change: p.Ter338Ser.
Molecular consequence: stop lost.
Genome position (GRCh38, 1-based): chr21:33,436,961, G>C. VCF-style: chr21-33436961-G-C. GRCh37 (hg19) VCF-style: chr21-34809268-G-C.
Other names: c.1070G>C, p.Ter357Ser (NM_001329128.2).
Identifiers: ClinVar variation 2100198 (VCV002100198.4), dbSNP rs1166368835, ClinGen allele CA410112719.